The following is an entry in ClinVar:

ClinVar aggregate classification (germline): Uncertain significance. Review status: criteria provided, multiple submitters, no conflicts (2 of 4 stars). 2 submissions from 2 submitters: Uncertain significance (2). Last evaluated 2025-12-15.

Conditions:
Primary ciliary dyskinesia 23 (CILD23). Also called: CILIARY DYSKINESIA, PRIMARY, 23, WITH OR WITHOUT SITUS INVERSUS. Identifiers: Orphanet 244, MedGen C3809548, MONDO:0014193, OMIM 615451.
Primary ciliary dyskinesia. Also called: Ciliary dyskinesia. Identifiers: Orphanet 244, MedGen C0008780, MONDO:0016575, HP:0012265.

Allele frequency attached by ClinVar (database versions not stated): gnomAD exomes below 0.00001; TOPMed 0.00002.
gnomAD v4.1: 4 of 1,614,062 alleles (0.00025%); highest among the groups gnomAD compares: Admixed American, 0.0017%; no homozygotes.

Submissions (2):

Ambry Genetics
Classification: Uncertain significance for Primary ciliary dyskinesia. Last evaluated: 2025-12-15. Review status: criteria provided, single submitter. Criteria: Ambry Variant Classification Scheme 2023. Collection method: clinical testing. Allele origin: germline.

Labcorp Genetics (formerly Invitae), Labcorp
Classification: Uncertain significance for Primary ciliary dyskinesia 23. Last evaluated: 2022-07-25. Review status: criteria provided, single submitter. Criteria: Invitae Variant Classification Sherloc (09022015). Collection method: clinical testing. Allele origin: germline.
Comment: In summary, the available evidence is currently insufficient to determine the role of this variant in disease. Therefore, it has been classified as a Variant of Uncertain Significance. Algorithms developed to predict the effect of sequence changes on RNA splicing suggest that this variant may create or strengthen a splice site. Algorithms developed to predict the effect of missense changes on protein structure and function output the following: SIFT: "Tolerated"; PolyPhen-2: "Benign"; Align-GVGD: "Class C0". The valine amino acid residue is found in multiple mammalian species, which suggests that this missense change does not adversely affect protein function. ClinVar contains an entry for this variant (Variation ID: 1051833). This variant has not been reported in the literature in individuals affected with ARMC4-related conditions. This variant is not present in population databases (gnomAD no frequency). This sequence change replaces isoleucine, which is neutral and non-polar, with valine, which is neutral and non-polar, at codon 539 of the ARMC4 protein (p.Ile539Val).

NM_018076.5(ODAD2):c.1615A>G (p.Ile539Val)

Gene: ODAD2 (outer dynein arm docking complex subunit 2; minus strand). Cytogenetic location: 10p12.1.
Variant type: single nucleotide variant.
Coding change: c.1615A>G on transcript NM_018076.5 (MANE Select); coding-DNA position 1615, A replaced by G.
Protein change: p.Ile539Val; replaces isoleucine 539 with valine.
Molecular consequence: missense variant.
Genome position (GRCh38, 1-based): chr10:27,944,350, T>C on the plus strand (A>G on the coding strand, the complement: ODAD2 is on the minus strand). VCF-style: chr10-27944350-T-C. GRCh37 (hg19) VCF-style: chr10-28233279-T-C.
Other names: c.1615A>G, p.Ile539Val (NM_001290020.2); c.190A>G, p.Ile64Val (NM_001290021.2); c.691A>G, p.Ile231Val (NM_001312689.2); c.1615A>G (NM_018076.2); short protein forms I231V, I539V, I64V.
Identifiers: ClinVar variation 1051833 (VCV001051833.11), dbSNP rs1237810719, ClinGen allele CA376393121.